The following is an entry in ClinVar:

ClinVar aggregate classification (germline): Uncertain significance (1 of 4 stars; one submission).

Conditions:
Congenital muscular dystrophy due to integrin alpha-7 deficiency. Also called: Congenital muscular dystrophy with integrin alpha-7 deficiency; Muscular dystrophy, congenital, due to ITGA7 deficiency; MYOPATHY, CONGENITAL, DUE TO INTEGRIN ALPHA-7 DEFICIENCY. Identifiers: Orphanet 34520, MedGen C2750786, MONDO:0013177, OMIM 613204.

Allele frequency attached by ClinVar (database versions not stated): ESP Exome Variant Server 0.00008.
gnomAD v4.1: 13 of 1,613,536 alleles (0.00081%); highest among the groups gnomAD compares: African/African-American, 0.0013%; no homozygotes.

Submission:

Labcorp Genetics (formerly Invitae), Labcorp
Classification: Uncertain significance for Congenital muscular dystrophy due to integrin alpha-7 deficiency. Last evaluated: 2022-08-06. Review status: criteria provided, single submitter. Criteria: Invitae Variant Classification Sherloc (09022015). Collection method: clinical testing. Allele origin: germline.
Comment: This sequence change replaces alanine, which is neutral and non-polar, with serine, which is neutral and polar, at codon 652 of the ITGA7 protein (p.Ala652Ser). This variant is present in population databases (rs372579627, gnomAD 0.004%). This variant has not been reported in the literature in individuals affected with ITGA7-related conditions. Algorithms developed to predict the effect of missense changes on protein structure and function output the following: SIFT: "Tolerated"; PolyPhen-2: "Benign"; Align-GVGD: "Class C0". The serine amino acid residue is found in multiple mammalian species, which suggests that this missense change does not adversely affect protein function. In summary, the available evidence is currently insufficient to determine the role of this variant in disease. Therefore, it has been classified as a Variant of Uncertain Significance.

NM_002206.3(ITGA7):c.1954G>T (p.Ala652Ser)

Gene: ITGA7 (integrin subunit alpha 7; minus strand). Cytogenetic location: 12q13.2.
Variant type: single nucleotide variant.
Coding change: c.1954G>T on transcript NM_002206.3 (MANE Select); coding-DNA position 1954, G replaced by T.
Protein change: p.Ala652Ser; replaces alanine 652 with serine.
Molecular consequence: missense variant.
Genome position (GRCh38, 1-based): chr12:55,695,571, C>A on the plus strand (G>T on the coding strand, the complement: ITGA7 is on the minus strand). VCF-style: chr12-55695571-C-A. GRCh37 (hg19) VCF-style: chr12-56089355-C-A.
Other names: c.1966G>T, p.Ala656Ser (NM_001144996.2); c.1675G>T, p.Ala559Ser (NM_001144997.2); c.1627G>T, p.Ala543Ser (NM_001367993.1); c.610G>T, p.Ala204Ser (NM_001367994.1); c.1936G>T, p.Ala646Ser (NM_001374465.1); c.2086G>T, p.Ala696Ser (NM_001410977.1); c.1948G>T, p.Ala650Ser (NM_001414029.1); c.1879G>T, p.Ala627Ser (NM_001414030.1); and 5 more; short protein forms A543S, A627S, A204S, A539S, A612S, A656S, A591S, A646S.
Identifiers: ClinVar variation 2048956 (VCV002048956.1), dbSNP rs372579627, ClinGen allele CA6615781.